The following is an entry in ClinVar:

NM_001376.5(DYNC1H1):c.11083C>T (p.Arg3695Trp)

Gene: DYNC1H1 (dynein cytoplasmic 1 heavy chain 1; plus strand). Cytogenetic location: 14q32.31.
Variant type: single nucleotide variant.
Coding change: c.11083C>T on transcript NM_001376.5 (MANE Select); coding-DNA position 11083, C replaced by T.
Protein change: p.Arg3695Trp; replaces arginine 3695 with tryptophan.
Molecular consequence: missense variant.
Genome position (GRCh38, 1-based): chr14:102,038,725, C>T. VCF-style: chr14-102038725-C-T. GRCh37 (hg19) VCF-style: chr14-102505062-C-T.
Other names: short protein forms R3695W.
Identifiers: ClinVar variation 1794141 (VCV001794141.3), dbSNP rs2503843400, ClinGen allele CA391032337.

ClinVar aggregate classification (germline): Conflicting classifications of pathogenicity. Review status: criteria provided, conflicting classifications (1 of 4 stars). 2 submissions from 2 submitters: Likely pathogenic (1); Uncertain significance (1). Last evaluated 2021-09-30.

Conditions:
Inborn genetic diseases. Identifiers: MedGen C0950123, MeSH D030342.

Submissions (2):

Blueprint Genetics
Classification: Uncertain significance. Last evaluated: 2021-09-30. Review status: criteria provided, single submitter. Criteria: ACMG Guidelines, 2015. Collection method: clinical testing. Allele origin: germline.

Ambry Genetics
Classification: Likely pathogenic for Inborn genetic diseases. Last evaluated: 2018-06-13. Review status: criteria provided, single submitter. Criteria: Ambry Variant Classification Scheme 2023. Collection method: clinical testing. Allele origin: germline.
Comment: The p.R3695W variant (also known as c.11083C>T), located in coding exon 59 of the DYNC1H1 gene, results from a C to T substitution at nucleotide position 11083. The arginine at codon 3695 is replaced by tryptophan, an amino acid with dissimilar properties. This variant has been determined to be the result of a de novo mutation or germline mosaicism in one family with an isolated case of DYNC1H1-related neurological disorder (Ambry internal data). This alteration is located near the ATP-binding site and is anticipated to result in a change in protein function (Ambry internal data; Zhang K et al. Cell, 2017 Jun;169:1303-1314.e18).This amino acid position is highly conserved in available vertebrate species. In addition, this alteration is predicted to be deleterious by in silico analysis. Based on the majority of available evidence to date, this variant is likely to be pathogenic.

Literature cited by the submitters: PubMed 28602352 (cited by Ambry Genetics).